The following is an entry in ClinVar:

ClinVar aggregate classification (germline): Uncertain significance (1 of 4 stars; one submission).

Conditions:
MEGF10-related myopathy (CMYO10A). Also called: Congenital myopathy 10A, severe variant. Identifiers: Orphanet 439212, MedGen C3280679, MONDO:0013731, OMIM 614399.

gnomAD v4.1: 3 of 1,614,152 alleles (0.00019%); highest among the groups gnomAD compares: Non-Finnish European, 0.00025%; no homozygotes.

Submission:

Labcorp Genetics (formerly Invitae), Labcorp
Classification: Uncertain significance for MEGF10-related myopathy. Last evaluated: 2021-12-14. Review status: criteria provided, single submitter. Criteria: Invitae Variant Classification Sherloc (09022015). Collection method: clinical testing. Allele origin: germline.
Comment: This sequence change replaces proline, which is neutral and non-polar, with serine, which is neutral and polar, at codon 380 of the MEGF10 protein (p.Pro380Ser). This variant is present in population databases (rs765082454, gnomAD 0.0009%). This variant has not been reported in the literature in individuals affected with MEGF10-related conditions. Algorithms developed to predict the effect of missense changes on protein structure and function (SIFT, PolyPhen-2, Align-GVGD) all suggest that this variant is likely to be disruptive. In summary, the available evidence is currently insufficient to determine the role of this variant in disease. Therefore, it has been classified as a Variant of Uncertain Significance.

NM_001256545.2(MEGF10):c.1138C>T (p.Pro380Ser)

Gene: MEGF10 (multiple EGF like domains 10; plus strand). Cytogenetic location: 5q23.2.
Variant type: single nucleotide variant.
Coding change: c.1138C>T on transcript NM_001256545.2 (MANE Select); coding-DNA position 1138, C replaced by T.
Protein change: p.Pro380Ser; replaces proline 380 with serine.
Molecular consequence: missense variant.
Genome position (GRCh38, 1-based): chr5:127,417,645, C>T. VCF-style: chr5-127417645-C-T. GRCh37 (hg19) VCF-style: chr5-126753337-C-T.
Other names: c.1138C>T, p.Pro380Ser (NM_001308119.2, NM_001308121.2, NM_032446.3); short protein forms P380S.
Identifiers: ClinVar variation 2039831 (VCV002039831.4), dbSNP rs765082454, ClinGen allele CA3391512.